The following is an entry in ClinVar:

NM_021076.4(NEFH):c.61G>A (p.Gly21Ser)

Gene: NEFH (neurofilament heavy chain; plus strand). Cytogenetic location: 22q12.2.
Variant type: single nucleotide variant.
Coding change: c.61G>A on transcript NM_021076.4 (MANE Select); coding-DNA position 61, G replaced by A.
Protein change: p.Gly21Ser; replaces glycine 21 with serine.
Molecular consequence: missense variant.
Genome position (GRCh38, 1-based): chr22:29,480,323, G>A. VCF-style: chr22-29480323-G-A. GRCh37 (hg19) VCF-style: chr22-29876312-G-A.
Other names: p.Gly21Ser; short protein forms G21S.
Identifiers: ClinVar variation 1912641 (VCV001912641.6), dbSNP rs1013169782, ClinGen allele CA323082719.
Genomic context (GRCh38, chr22:29,480,323, plus strand): 5'-ATGATGAGCTTCGGCGGCGCGGACGCGCTGCTGGGCGCCCCGTTCGCGCCGCTGCATGGC[G>A]GCGGCAGCCTCCACTACGCGCTAGCCCGAAAGGGTGGCGCAGGCGGGACGCGCTCCGCCG-3'
Protein context (NP_066554.2, residues 11-31): LGAPFAPLHG[Gly21Ser]GSLHYALARK

ClinVar aggregate classification (germline): Uncertain significance. Review status: criteria provided, multiple submitters, no conflicts (2 of 4 stars). 2 submissions from 2 submitters: Uncertain significance (2). Last evaluated 2025-06-08.

gnomAD v4.1: 19 of 1,507,444 alleles (0.0013%); highest among the groups gnomAD compares: Non-Finnish European, 0.0012%; no homozygotes.

Submissions (2):

Mayo Clinic Laboratories, Mayo Clinic
Classification: Uncertain significance. Last evaluated: 2025-06-08. Review status: criteria provided, single submitter. Criteria: ACMG Guidelines, 2015. Collection method: clinical testing. Allele origin: germline. Observed: 1 variant allele.
Comment: BP4_moderate

Labcorp Genetics (formerly Invitae), Labcorp
Classification: Uncertain significance. Last evaluated: 2023-11-17. Review status: criteria provided, single submitter. Criteria: Invitae Variant Classification Sherloc (09022015). Collection method: clinical testing. Allele origin: germline.
Comment: This sequence change replaces glycine, which is neutral and non-polar, with serine, which is neutral and polar, at codon 21 of the NEFH protein (p.Gly21Ser). This variant is not present in population databases (gnomAD no frequency). This variant has not been reported in the literature in individuals affected with NEFH-related conditions. ClinVar contains an entry for this variant (Variation ID: 1912641). Advanced modeling of protein sequence and biophysical properties (such as structural, functional, and spatial information, amino acid conservation, physicochemical variation, residue mobility, and thermodynamic stability) performed at Invitae indicates that this missense variant is not expected to disrupt NEFH protein function with a negative predictive value of 95%. In summary, the available evidence is currently insufficient to determine the role of this variant in disease. Therefore, it has been classified as a Variant of Uncertain Significance.